The following is an entry in ClinVar:

ClinVar aggregate classification (germline): Uncertain significance (1 of 4 stars; one submission).

Conditions:
RYR1-related disorder. Also called: RYR1-related condition; RYR1-related disorders. Identifiers: MedGen CN239331.

gnomAD v4.1: 4 of 1,614,000 alleles (0.00025%); highest among the groups gnomAD compares: African/African-American, 0.0013%; no homozygotes.

Submission:

Labcorp Genetics (formerly Invitae), Labcorp
Classification: Uncertain significance for RYR1-related disorder. Last evaluated: 2024-09-19. Review status: criteria provided, single submitter. Criteria: Invitae Variant Classification Sherloc (09022015). Collection method: clinical testing. Allele origin: germline.
Comment: This sequence change replaces glutamic acid, which is acidic and polar, with lysine, which is basic and polar, at codon 1166 of the RYR1 protein (p.Glu1166Lys). This variant is not present in population databases (gnomAD no frequency). This variant has not been reported in the literature in individuals affected with RYR1-related conditions. Invitae Evidence Modeling of protein sequence and biophysical properties (such as structural, functional, and spatial information, amino acid conservation, physicochemical variation, residue mobility, and thermodynamic stability) indicates that this missense variant is not expected to disrupt RYR1 protein function with a negative predictive value of 95%. In summary, the available evidence is currently insufficient to determine the role of this variant in disease. Therefore, it has been classified as a Variant of Uncertain Significance.

NM_000540.3(RYR1):c.3496G>A (p.Glu1166Lys)

Gene: RYR1 (ryanodine receptor 1; plus strand). Cytogenetic location: 19q13.2.
Variant type: single nucleotide variant.
Coding change: c.3496G>A on transcript NM_000540.3 (MANE Select); coding-DNA position 3496, G replaced by A.
Protein change: p.Glu1166Lys; replaces glutamic acid 1166 with lysine.
Molecular consequence: missense variant.
Genome position (GRCh38, 1-based): chr19:38,469,080, G>A. VCF-style: chr19-38469080-G-A. GRCh37 (hg19) VCF-style: chr19-38959720-G-A.
Other names: c.3496G>A, p.Glu1166Lys (NM_001042723.2); short protein forms E1166K.
Identifiers: ClinVar variation 3628727 (VCV003628727.2).